The following is an entry in ClinVar:

NM_000719.7(CACNA1C):c.161C>T (p.Ala54Val)

Gene: CACNA1C (calcium voltage-gated channel subunit alpha1 C; plus strand). Cytogenetic location: 12p13.33.
Variant type: single nucleotide variant.
Coding change: c.161C>T on transcript NM_000719.7 (MANE Select); coding-DNA position 161, C replaced by T.
Protein change: p.Ala54Val; replaces alanine 54 with valine.
Molecular consequence: missense variant.
Genome position (GRCh38, 1-based): chr12:2,115,335, C>T. VCF-style: chr12-2115335-C-T. GRCh37 (hg19) VCF-style: chr12-2224501-C-T.
Other names: c.161C>T, p.Ala54Val (NM_001129827.2, NM_001129829.2, NM_001129830.3 and 19 more transcripts); short protein forms A54V.
Identifiers: ClinVar variation 1361639 (VCV001361639.9), dbSNP rs775019372, ClinGen allele CA383653058.

ClinVar aggregate classification (germline): Uncertain significance. Review status: criteria provided, multiple submitters, no conflicts (2 of 4 stars). 4 submissions from 4 submitters: Uncertain significance (4). Last evaluated 2025-07-29.

Conditions:
Cardiovascular phenotype. Identifiers: MedGen CN230736.
Long QT syndrome (LQTS). Identifiers: MedGen C0023976, MeSH D008133, MONDO:0002442. Disease mechanism: loss of function. Inheritance: Various modes of inheritance.

Allele frequency attached by ClinVar (database versions not stated): TOPMed 0.00001.

Submissions (4):

Labcorp Genetics (formerly Invitae), Labcorp
Classification: Uncertain significance for Long QT syndrome. Last evaluated: 2025-07-29. Review status: criteria provided, single submitter. Criteria: Invitae Variant Classification Sherloc (09022015). Collection method: clinical testing. Allele origin: germline.
Comment: This sequence change replaces alanine, which is neutral and non-polar, with valine, which is neutral and non-polar, at codon 54 of the CACNA1C protein (p.Ala54Val). The frequency data for this variant in the population databases is considered unreliable, as metrics indicate poor data quality at this position in the gnomAD database. This variant has not been reported in the literature in individuals affected with CACNA1C-related conditions. ClinVar contains an entry for this variant (Variation ID: 1361639). Invitae Evidence Modeling of protein sequence and biophysical properties (such as structural, functional, and spatial information, amino acid conservation, physicochemical variation, residue mobility, and thermodynamic stability) has been performed for this missense variant. However, the output from this modeling did not meet the statistical confidence thresholds required to predict the impact of this variant on CACNA1C protein function. In summary, the available evidence is currently insufficient to determine the role of this variant in disease. Therefore, it has been classified as a Variant of Uncertain Significance.

ARUP Laboratories, Molecular Genetics and Genomics, ARUP Laboratories
Classification: Uncertain significance. Last evaluated: 2023-12-29. Review status: criteria provided, single submitter. Criteria: ARUP Molecular Germline Variant Investigation Process 2024. Collection method: clinical testing. Allele origin: germline.
Comment: The CACNA1C c.161C>T; p.Ala54Val variant (rs775019372), to our knowledge, is not reported in the medical literature but is reported in ClinVar (Variation ID: 1361639). This variant is only observed on four alleles in the Genome Aggregation Database (v2.1.1), indicating it is not a common polymorphism. Computational analyses predict that this variant is deleterious (REVEL: 0.728). Due to limited information, the clinical significance of this variant is uncertain at this time.

GeneDx
Classification: Uncertain significance. Last evaluated: 2023-05-17. Review status: criteria provided, single submitter. Criteria: GeneDx Variant Classification Process June 2021. Collection method: clinical testing. Allele origin: germline. Affected: yes.
Comment: Has not been previously published as pathogenic or benign to our knowledge; Not observed at significant frequency in large population cohorts (gnomAD); In silico analysis supports that this missense variant has a deleterious effect on protein structure/function

Ambry Genetics
Classification: Uncertain significance for Cardiovascular phenotype. Last evaluated: 2022-10-22. Review status: criteria provided, single submitter. Criteria: Ambry Variant Classification Scheme 2023. Collection method: clinical testing. Allele origin: germline.
Comment: The p.A54V variant (also known as c.161C>T), located in coding exon 2 of the CACNA1C gene, results from a C to T substitution at nucleotide position 161. The alanine at codon 54 is replaced by valine, an amino acid with similar properties. This amino acid position is highly conserved in available vertebrate species. In addition, this alteration is predicted to be deleterious by in silico analysis. Since supporting evidence is limited at this time, the clinical significance of this alteration remains unclear.